The following is an entry in ClinVar:

NM_000271.5(NPC1):c.3183A>G (p.Ile1061Met)

Gene: NPC1 (NPC intracellular cholesterol transporter 1; minus strand). Cytogenetic location: 18q11.2.
Variant type: single nucleotide variant.
Coding change: c.3183A>G on transcript NM_000271.5 (MANE Select); coding-DNA position 3183, A replaced by G.
Protein change: p.Ile1061Met; replaces isoleucine 1061 with methionine.
Molecular consequence: missense variant.
Genome position (GRCh38, 1-based): chr18:23,536,735, T>C on the plus strand (A>G on the coding strand, the complement: NPC1 is on the minus strand). VCF-style: chr18-23536735-T-C. GRCh37 (hg19) VCF-style: chr18-21116699-T-C.
Other names: short protein forms I1061M.
Identifiers: ClinVar variation 851806 (VCV000851806.9), dbSNP rs967206412, ClinGen allele CA297079778.

ClinVar aggregate classification (germline): Uncertain significance (1 of 4 stars; one submission).

Conditions:
Niemann-Pick disease, type C1. Also called: NEUROVISCERAL STORAGE DISEASE WITH VERTICAL SUPRANUCLEAR OPHTHALMOPLEGIA; NIEMANN-PICK DISEASE WITH CHOLESTEROL ESTERIFICATION BLOCK; NIEMANN-PICK DISEASE WITHOUT SPHINGOMYELINASE DEFICIENCY; NIEMANN-PICK DISEASE, CHRONIC NEURONOPATHIC FORM; NIEMANN-PICK DISEASE, VARIANT TYPE C1. Identifiers: Orphanet 646, MedGen C3179455, MONDO:0009757, OMIM 257220.

Allele frequency attached by ClinVar (database versions not stated): gnomAD exomes below 0.00001; TOPMed below 0.00001.
gnomAD v4.1: 1 of 1,614,230 alleles (0.000062%); highest among the groups gnomAD compares: Admixed American, 0.0017%; no homozygotes.

Submission:

Labcorp Genetics (formerly Invitae), Labcorp
Classification: Uncertain significance for Niemann-Pick disease, type C1. Last evaluated: 2020-01-20. Review status: criteria provided, single submitter. Criteria: Invitae Variant Classification Sherloc (09022015). Collection method: clinical testing. Allele origin: germline.
Comment: This variant is not present in population databases (ExAC no frequency). Algorithms developed to predict the effect of missense changes on protein structure and function are either unavailable or do not agree on the potential impact of this missense change (SIFT: "Deleterious"; PolyPhen-2: "Possibly Damaging"; Align-GVGD: "Class C0"). This variant disrupts the p.Ile1061 amino acid residue in NPC1. Other variant(s) that disrupt this residue have been determined to be pathogenic (PMID: 10521297, 16126423, 25149939, 20521171). This suggests that this residue is clinically significant, and that variants that disrupt this residue are likely to be disease-causing. In summary, the available evidence is currently insufficient to determine the role of this variant in disease. Therefore, it has been classified as a Variant of Uncertain Significance. This sequence change replaces isoleucine with methionine at codon 1061 of the NPC1 protein (p.Ile1061Met). The isoleucine residue is highly conserved and there is a small physicochemical difference between isoleucine and methionine.